The following is an entry in ClinVar:

ClinVar aggregate classification (germline): Likely pathogenic. Review status: criteria provided, multiple submitters, no conflicts (2 of 4 stars). 2 submissions from 2 submitters: Likely pathogenic (2). Last evaluated 2022-01-01.

Conditions:
Charlevoix-Saguenay spastic ataxia (SACS). Also called: SPASTIC ATAXIA 6, AUTOSOMAL RECESSIVE; AUTOSOMAL RECESSIVE SPASTIC ATAXIA OF CHARLEVOIX-SAGUENAY; Spastic ataxia of Charlevoix-Saguenay. Identifiers: Orphanet 98, MedGen C1849140, MONDO:0010041, OMIM 270550.
SACS-related disorder. Also called: SACS-related condition.

Submissions (2):

PROSPAX: an integrated multimodal progression  chart in spastic ataxias, Center for Neurology; Hertie-Institute for Clinical Brain Research
Classification: Likely pathogenic for Charlevoix-Saguenay spastic ataxia. Last evaluated: 2022-01-01. Review status: criteria provided, single submitter. Criteria: ACMG Guidelines, 2015. Collection method: research. Allele origin: germline. Affected: yes.
Comment: Variant seen in compound het: [c.8691G>A;c.7320del]

Blueprint Genetics
Classification: Likely pathogenic for SACS-related disorders. Last evaluated: 2018-08-24. Review status: criteria provided, single submitter. Criteria: ACMG Guidelines, 2015. Collection method: clinical testing. Allele origin: germline. Affected: yes. Observed: 1 variant allele.

NM_014363.6(SACS):c.8691G>A (p.Trp2897Ter)

Gene: SACS (sacsin molecular chaperone; minus strand). Cytogenetic location: 13q12.12.
Variant type: single nucleotide variant.
Coding change: c.8691G>A on transcript NM_014363.6 (MANE Select); coding-DNA position 8691, G replaced by A.
Protein change: p.Trp2897Ter; replaces tryptophan 2897 with a stop codon.
Molecular consequence: nonsense.
Genome position (GRCh38, 1-based): chr13:23,335,185, C>T on the plus strand (G>A on the coding strand, the complement: SACS is on the minus strand). VCF-style: chr13-23335185-C-T. GRCh37 (hg19) VCF-style: chr13-23909324-C-T.
Other names: c.8250G>A, p.Trp2750Ter (NM_001278055.2); short protein forms W2750*, W2897*.
Identifiers: ClinVar variation 3242497 (VCV003242497.2).